The following is an entry in ClinVar:

NM_001370704.1(APOLTP):c.3648C>T (p.Tyr1216=)

Gene: APOLTP (apolipoprotein lipid transfer particle homolog; minus strand). Cytogenetic location: 16p13.13.
Variant type: single nucleotide variant.
Coding change: c.3648C>T on transcript NM_001370704.1 (MANE Select); coding-DNA position 3648, C replaced by T.
Protein change: p.Tyr1216=; no amino-acid change (tyrosine 1216 retained).
Molecular consequence: synonymous variant.
Genome position (GRCh38, 1-based): chr16:11,460,534, G>A on the plus strand (C>T on the coding strand, the complement: APOLTP is on the minus strand). VCF-style: chr16-11460534-G-A. GRCh37 (hg19) VCF-style: chr16-11554390-G-A.
Other names: c.3648C>T, p.Tyr1216= (NM_001395505.1).
Identifiers: ClinVar variation 2646226 (VCV002646226.24), dbSNP rs911755827, ClinGen allele CA278282695.

ClinVar aggregate classification (germline): Likely benign (1 of 4 stars; one submission).

Allele frequency attached by ClinVar (database versions not stated): gnomAD exomes 0.00003; gnomAD 0.00029.
gnomAD v4.1: 87 of 1,535,464 alleles (0.0057%); highest among the groups gnomAD compares: African/African-American, 0.1%; no homozygotes.

Submission:

CeGaT Center for Human Genetics Tuebingen
Classification: Likely benign. Last evaluated: 2022-09-01. Review status: criteria provided, single submitter. Criteria: CeGaT Center For Human Genetics Tuebingen Variant Classification Criteria Version 2. Collection method: clinical testing. Allele origin: germline. Affected: yes. Observed: 1 variant allele.
Comment: LOC400499: BP4, BP7